The following is an entry in ClinVar:

NM_003060.4(SLC22A5):c.1169C>G (p.Ala390Gly)

Gene: SLC22A5 (solute carrier family 22 member 5; plus strand). Cytogenetic location: 5q31.1.
Variant type: single nucleotide variant.
Coding change: c.1169C>G on transcript NM_003060.4 (MANE Select); coding-DNA position 1169, C replaced by G.
Protein change: p.Ala390Gly; replaces alanine 390 with glycine.
Molecular consequence: missense variant.
Genome position (GRCh38, 1-based): chr5:132,390,806, C>G. VCF-style: chr5-132390806-C-G. GRCh37 (hg19) VCF-style: chr5-131726498-C-G.
Other names: c.1241C>G, p.Ala414Gly (NM_001308122.2); short protein forms A390G, A414G.
Identifiers: ClinVar variation 1427371 (VCV001427371.5), dbSNP rs1752671467, ClinGen allele CA360807670.
Genomic context (GRCh38, chr5:132,390,806, plus strand): 5'-GGGACATCTTTGTGAACTGCTTCCTTTCAGCGATGGTTGAAGTCCCAGCATATGTGTTGG[C>G]CTGGCTGCTGCTGCAATATTTGCCCCGGCGCTATTCCATGGCCACTGCCCTCTTCCTGGG-3'
Protein context (NP_003051.1, residues 380-400): AMVEVPAYVL[Ala390Gly]WLLLQYLPRR

ClinVar aggregate classification (germline): Uncertain significance (1 of 4 stars; one submission).

Conditions:
Renal carnitine transport defect (CDSP). Also called: Systemic primary carnitine deficiency; Primary carnitine deficiency; CARNITINE DEFICIENCY, SYSTEMIC, DUE TO DEFECT IN RENAL REABSORPTION OF CARNITINE; CARNITINE TRANSPORTER, PLASMA-MEMBRANE, DEFICIENCY OF; CARNITINE UPTAKE DEFECT; Systemic primary carnitine deficiency disease. Identifiers: Orphanet 158, MedGen C0342788, MONDO:0008919, OMIM 212140.

Submission:

Labcorp Genetics (formerly Invitae), Labcorp
Classification: Uncertain significance for Renal carnitine transport defect. Last evaluated: 2021-08-28. Review status: criteria provided, single submitter. Criteria: Invitae Variant Classification Sherloc (09022015). Collection method: clinical testing. Allele origin: germline.
Comment: This sequence change replaces alanine with glycine at codon 390 of the SLC22A5 protein (p.Ala390Gly). The alanine residue is moderately conserved and there is a small physicochemical difference between alanine and glycine. This variant is not present in population databases (ExAC no frequency). This variant has not been reported in the literature in individuals affected with SLC22A5-related conditions. Algorithms developed to predict the effect of missense changes on protein structure and function (SIFT, PolyPhen-2, Align-GVGD) all suggest that this variant is likely to be tolerated. In summary, the available evidence is currently insufficient to determine the role of this variant in disease. Therefore, it has been classified as a Variant of Uncertain Significance.